The following is an entry in ClinVar:

ClinVar aggregate classification (germline): Uncertain significance (1 of 4 stars; one submission).

Conditions:
Werner syndrome (WRN). Identifiers: Orphanet 902, MedGen C0043119, MONDO:0010196, OMIM 277700.

Submission:

Labcorp Genetics (formerly Invitae), Labcorp
Classification: Uncertain significance for Werner syndrome. Last evaluated: 2020-02-24. Review status: criteria provided, single submitter. Criteria: Invitae Variant Classification Sherloc (09022015). Collection method: clinical testing. Allele origin: germline.
Comment: Experimental studies and prediction algorithms are not available or were not evaluated, and the functional significance of this variant is currently unknown. In summary, the available evidence is currently insufficient to determine the role of this variant in disease. Therefore, it has been classified as a Variant of Uncertain Significance. This variant has not been reported in the literature in individuals with WRN-related conditions. This variant results in a copy number gain of the genomic region encompassing exons 4-35 of the WRN gene. The 5' boundary is likely confined to intron 3. The 3' end of this event is unknown as it extends beyond the assayed region for this gene and therefore may encompass additional genes. As the precise location of this event is unknown, it may be in tandem or it may be located elsewhere in the genome.

NC_000008.10:g.(?_30921795)_(31030618_?)dup

Gene: WRN (WRN RecQ like helicase; plus strand). Cytogenetic location: 8p12.
Variant type: Duplication.
Identifiers: ClinVar variation 1019535 (VCV001019535.5).